The following is an entry in ClinVar:

NM_017433.5(MYO3A):c.1829T>C (p.Ile610Thr)

Gene: MYO3A (myosin IIIA; plus strand). Cytogenetic location: 10p12.1.
Variant type: single nucleotide variant.
Coding change: c.1829T>C on transcript NM_017433.5 (MANE Select); coding-DNA position 1829, T replaced by C.
Protein change: p.Ile610Thr; replaces isoleucine 610 with threonine.
Molecular consequence: missense variant.
Genome position (GRCh38, 1-based): chr10:26,120,728, T>C. VCF-style: chr10-26120728-T-C. GRCh37 (hg19) VCF-style: chr10-26409657-T-C.
Other names: short protein forms I610T.
Identifiers: ClinVar variation 1187597 (VCV001187597.8), dbSNP rs140587339, ClinGen allele CA5444791.

ClinVar aggregate classification (germline): Uncertain significance. Review status: criteria provided, multiple submitters, no conflicts (2 of 4 stars). 4 submissions from 4 submitters: Uncertain significance (4). Last evaluated 2025-07-16.

Conditions:
Inborn genetic diseases. Identifiers: MedGen C0950123, MeSH D030342.

Allele frequency attached by ClinVar (database versions not stated): gnomAD exomes 0.00001 and 0.00006; ExAC 0.00006; gnomAD 0.00015 and 0.00016; 1000 Genomes Project 30x 0.00016; TOPMed 0.00019; 1000 Genomes Project 0.00020; ESP Exome Variant Server 0.00031.
gnomAD v4.1: 44 of 1,614,092 alleles (0.0027%); highest among the groups gnomAD compares: African/African-American, 0.051%; no homozygotes.

Submissions (4):

Ambry Genetics
Classification: Uncertain significance for Inborn genetic diseases. Last evaluated: 2025-07-16. Review status: criteria provided, single submitter. Criteria: Ambry Variant Classification Scheme 2023. Collection method: clinical testing. Allele origin: germline.

GeneDx
Classification: Uncertain significance. Last evaluated: 2020-11-27. Review status: criteria provided, single submitter. Criteria: GeneDx Variant Classification Process June 2021. Collection method: clinical testing. Allele origin: germline. Affected: yes.
Comment: In silico analysis, which includes protein predictors and evolutionary conservation, supports a deleterious effect; Has not been previously published as pathogenic or benign to our knowledge

Blueprint Genetics
Classification: Uncertain significance. Last evaluated: 2019-12-26. Review status: criteria provided, single submitter. Criteria: ACMG Guidelines, 2015. Collection method: clinical testing. Allele origin: germline.

Breakthrough Genomics
Classification: Uncertain significance. Review status: criteria provided, single submitter. Criteria: ACMG Guidelines, 2015. Collection method: not provided. Allele origin: germline. Inheritance: Autosomal recessive inheritance. Affected: yes.